The following is an entry in ClinVar:

NM_006979.3(SLC39A7):c.764G>A (p.Ser255Asn)

Gene: SLC39A7 (solute carrier family 39 member 7; plus strand). Cytogenetic location: 6p21.32.
Variant type: single nucleotide variant.
Coding change: c.764G>A on transcript NM_006979.3 (MANE Select); coding-DNA position 764, G replaced by A.
Protein change: p.Ser255Asn; replaces serine 255 with asparagine.
Molecular consequence: missense variant.
Genome position (GRCh38, 1-based): chr6:33,202,392, G>A. VCF-style: chr6-33202392-G-A. GRCh37 (hg19) VCF-style: chr6-33170169-G-A.
Other names: c.764G>A, p.Ser255Asn (NM_001077516.2); c.389G>A, p.Ser130Asn (NM_001288777.2); c.764G>A (NM_006979.2); short protein forms S130N, S255N.
Identifiers: ClinVar variation 2183217 (VCV002183217.4), dbSNP rs772091710, ClinGen allele CA3752351.
Genomic context (GRCh38, chr6:33,202,392, plus strand): 5'-AATTTGTGAGACATGTGAAAGGAGGACATGGTCACAGTCATGGACATGGACACGCTCACA[G>A]TCATACACGTGGAAGTCATGGACATGGAAGACAAGGTGAGCCCAGGAACAACTTTCCTGA-3'
Protein context (NP_008910.2, residues 245-265): GHSHGHGHAH[Ser255Asn]HTRGSHGHGR

ClinVar aggregate classification (germline): Uncertain significance. Review status: criteria provided, multiple submitters, no conflicts (2 of 4 stars). 2 submissions from 2 submitters: Uncertain significance (2). Last evaluated 2025-05-20.

Allele frequency attached by ClinVar (database versions not stated): ExAC 0.00002; TOPMed 0.00006.
gnomAD v4.1: 51 of 1,612,774 alleles (0.0032%); highest among the groups gnomAD compares: Non-Finnish European, 0.0041%; no homozygotes.

Submissions (2):

Ambry Genetics
Classification: Uncertain significance. Last evaluated: 2025-05-20. Review status: criteria provided, single submitter. Criteria: Ambry Variant Classification Scheme 2023. Collection method: clinical testing. Allele origin: germline.

Labcorp Genetics (formerly Invitae), Labcorp
Classification: Uncertain significance. Last evaluated: 2024-11-11. Review status: criteria provided, single submitter. Criteria: Invitae Variant Classification Sherloc (09022015). Collection method: clinical testing. Allele origin: germline.
Comment: This sequence change replaces serine, which is neutral and polar, with asparagine, which is neutral and polar, at codon 255 of the SLC39A7 protein (p.Ser255Asn). This variant is present in population databases (rs772091710, gnomAD 0.006%). This variant has not been reported in the literature in individuals affected with SLC39A7-related conditions. ClinVar contains an entry for this variant (Variation ID: 2183217). An algorithm developed to predict the effect of missense changes on protein structure and function (PolyPhen-2) suggests that this variant¬†is likely to be tolerated. In summary, the available evidence is currently insufficient to determine the role of this variant in disease. Therefore, it has been classified as a Variant of Uncertain Significance.